The following is an entry in ClinVar:

NM_001184.4(ATR):c.5572T>C (p.Cys1858Arg)

Gene: ATR (ATR checkpoint kinase; minus strand). Cytogenetic location: 3q23.
Variant type: single nucleotide variant.
Coding change: c.5572T>C on transcript NM_001184.4 (MANE Select); coding-DNA position 5572, T replaced by C.
Protein change: p.Cys1858Arg; replaces cysteine 1858 with arginine.
Molecular consequence: missense variant.
Genome position (GRCh38, 1-based): chr3:142,497,179, A>G on the plus strand (T>C on the coding strand, the complement: ATR is on the minus strand). VCF-style: chr3-142497179-A-G. GRCh37 (hg19) VCF-style: chr3-142216021-A-G.
Other names: c.5380T>C, p.Cys1794Arg (NM_001354579.2); short protein forms C1858R, C1794R.
Identifiers: ClinVar variation 343600 (VCV000343600.13), dbSNP rs367898142, ClinGen allele CA2649580.

ClinVar aggregate classification (germline): Uncertain significance. Review status: criteria provided, multiple submitters, no conflicts (2 of 4 stars). 5 submissions from 4 submitters: Uncertain significance (5). Last evaluated 2026-01-21.

Conditions:
Familial cutaneous telangiectasia and oropharyngeal predisposition cancer syndrome. Identifiers: Orphanet 313846, MedGen C3281203, MONDO:0013806, OMIM 614564.
Seckel syndrome 1 (SCKL1). Also called: MICROCEPHALIC PRIMORDIAL DWARFISM I. Identifiers: Orphanet 808, MedGen C4551474, MONDO:0008869, OMIM 210600.

Allele frequency attached by ClinVar (database versions not stated): gnomAD exomes 0.00006 and 0.00011; ExAC 0.00007; gnomAD 0.00007 and 0.00008; TOPMed 0.00008; ESP Exome Variant Server 0.00023.
gnomAD v4.1: 168 of 1,613,980 alleles (0.01%); highest among the groups gnomAD compares: Non-Finnish European, 0.013%; 1 homozygote.

Submissions (5):

Labcorp Genetics (formerly Invitae), Labcorp
Classification: Uncertain significance. Last evaluated: 2026-01-21. Review status: criteria provided, single submitter. Criteria: Invitae Variant Classification Sherloc (09022015). Collection method: clinical testing. Allele origin: germline.
Comment: This sequence change replaces cysteine, which is neutral and slightly polar, with arginine, which is basic and polar, at codon 1858 of the ATR protein (p.Cys1858Arg). This variant is present in population databases (rs367898142, gnomAD 0.01%). This variant has not been reported in the literature in individuals affected with ATR-related conditions. ClinVar contains an entry for this variant (Variation ID: 343600). An algorithm developed to predict the effect of missense changes on protein structure and function (PolyPhen-2) suggests that this variant is likely to be disruptive. In summary, the available evidence is currently insufficient to determine the role of this variant in disease. Therefore, it has been classified as a Variant of Uncertain Significance.

Genome-Nilou Lab
Classification: Uncertain significance for Seckel syndrome 1. Last evaluated: 2023-02-08. Review status: criteria provided, single submitter. Criteria: ACMG Guidelines, 2015. Collection method: clinical testing. Allele origin: germline.

Genome-Nilou Lab
Classification: Uncertain significance for Familial cutaneous telangiectasia and oropharyngeal predisposition cancer syndrome. Last evaluated: 2023-02-08. Review status: criteria provided, single submitter. Criteria: ACMG Guidelines, 2015. Collection method: clinical testing. Allele origin: germline.

GeneDx
Classification: Uncertain significance. Last evaluated: 2020-09-17. Review status: criteria provided, single submitter. Criteria: GeneDx Variant Classification Process June 2021. Collection method: clinical testing. Allele origin: germline. Affected: yes.
Comment: Not observed at a significant frequency in large population cohorts (Lek et al., 2016); In silico analysis supports that this missense variant does not alter protein structure/function; Has not been previously published as pathogenic or benign to our knowledge

Illumina Laboratory Services, Illumina
Classification: Uncertain significance for Seckel syndrome 1. Last evaluated: 2018-01-12. Review status: criteria provided, single submitter. Criteria: ICSL Variant Classification Criteria 13 December 2019. Collection method: clinical testing. Allele origin: germline.